The following is an entry in ClinVar:

ClinVar aggregate classification (germline): Likely benign. Review status: criteria provided, multiple submitters, no conflicts (2 of 4 stars). 4 submissions from 4 submitters: Likely benign (4). Last evaluated 2025-10-27.

Conditions:
ILDR1-related disorder. Also called: ILDR1-related condition.

Allele frequency attached by ClinVar (database versions not stated): TOPMed 0.00009; gnomAD exomes 0.00011 and 0.00018; gnomAD 0.00016 and 0.00017; ExAC 0.00023; ESP Exome Variant Server 0.00023.
gnomAD v4.1: 184 of 1,613,956 alleles (0.011%); highest among the groups gnomAD compares: Non-Finnish European, 0.013%; no homozygotes.

Submissions (4):

Labcorp Genetics (formerly Invitae), Labcorp
Classification: Likely benign. Last evaluated: 2025-10-27. Review status: criteria provided, single submitter. Criteria: Invitae Variant Classification Sherloc (09022015). Collection method: clinical testing. Allele origin: germline.

Blueprint Genetics
Classification: Likely benign. Last evaluated: 2024-11-21. Review status: criteria provided, single submitter. Criteria: ACMG Guidelines, 2015. Collection method: clinical testing. Allele origin: germline.

PreventionGenetics, part of Exact Sciences
Classification: Likely benign for ILDR1-related condition. Last evaluated: 2024-11-21. Review status: criteria provided, single submitter. Criteria: ACMG Guidelines, 2015. Collection method: clinical testing. Allele origin: germline.
Comment: This variant is classified as likely benign based on ACMG/AMP sequence variant interpretation guidelines (Richards et al. 2015 PMID: 25741868, with internal and published modifications).

Laboratory for Molecular Medicine, Mass General Brigham Personalized Medicine
Classification: Likely benign. Last evaluated: 2017-06-20. Review status: criteria provided, single submitter. Criteria: LMM Criteria. Collection method: clinical testing. Allele origin: germline. Observed: 1 variant allele.
Comment: p.Lys307Lys in exon 7 of ILDR1: This variant is not expected to have clinical si gnificance because it does not alter an amino acid residue and is not located wi thin the splice consensus sequence. It has been identified in 45/126582 European chromosomes by the Genome Aggregation Database (gnomAD; dbSNP rs370886914).

NM_001199799.2(ILDR1):c.921A>G (p.Lys307=)

Gene: ILDR1 (immunoglobulin like domain containing receptor 1; minus strand). Cytogenetic location: 3q13.33.
Variant type: single nucleotide variant.
Coding change: c.921A>G on transcript NM_001199799.2 (MANE Select); coding-DNA position 921, A replaced by G.
Protein change: p.Lys307=; no amino-acid change (lysine 307 retained).
Molecular consequence: synonymous variant.
Genome position (GRCh38, 1-based): chr3:121,993,828, T>C on the plus strand (A>G on the coding strand, the complement: ILDR1 is on the minus strand). VCF-style: chr3-121993828-T-C. GRCh37 (hg19) VCF-style: chr3-121712675-T-C.
Other names: c.654A>G, p.Lys218= (NM_001199800.2); c.789A>G, p.Lys263= (NM_175924.4).
Identifiers: ClinVar variation 504598 (VCV000504598.13), dbSNP rs370886914, ClinGen allele CA2568790.